The following is an entry in ClinVar:

NM_002693.3(POLG):c.573G>A (p.Glu191=)

Genes: POLG (DNA polymerase gamma, catalytic subunit; minus strand), POLGARF (POLG alternative reading frame; minus strand). Cytogenetic location: 15q26.1.
Variant type: single nucleotide variant.
Coding change: c.573G>A on transcript NM_002693.3 (MANE Select); coding-DNA position 573, G replaced by A.
Protein change: p.Glu191=; no amino-acid change (glutamic acid 191 retained).
Molecular consequence: synonymous variant.
Genome position (GRCh38, 1-based): chr15:89,333,182, C>T on the plus strand (G>A on the coding strand, the complement: POLG is on the minus strand). VCF-style: chr15-89333182-C-T. GRCh37 (hg19) VCF-style: chr15-89876413-C-T.
Other names: c.573G>A, p.Glu191= (NM_001126131.2).
Identifiers: ClinVar variation 2581313 (VCV002581313.1), dbSNP rs2509274907, ClinGen allele CA492289924.

ClinVar aggregate classification (germline): Likely benign (1 of 4 stars; one submission).

Allele frequency attached by ClinVar (database versions not stated): gnomAD exomes below 0.00001.
gnomAD v4.1: 1 of 1,568,900 alleles (0.000064%); highest among the groups gnomAD compares: Non-Finnish European, 0.000087%; no homozygotes.

Submission:

Women's Health and Genetics/Laboratory Corporation of America, LabCorp
Classification: Likely benign. Last evaluated: 2023-08-23. Review status: criteria provided, single submitter. Criteria: LabCorp Variant Classification Summary - May 2015. Collection method: clinical testing. Allele origin: germline.
Comment: Variant summary: POLG c.573G>A alters a non-conserved nucleotide resulting in a synonymous change. Consensus agreement among computation tools predict no significant impact on normal splicing. However, these predictions have yet to be confirmed by functional studies. The variant was absent in 213304 control chromosomes (gnomAD). The available data on variant occurrences in the general population are insufficient to allow any conclusion about variant significance. To our knowledge, no occurrence of c.573G>A in individuals affected with POLG-Related Spectrum Disorders and no experimental evidence demonstrating its impact on protein function have been reported. No submitters have cited clinical-significance assessments for this variant to ClinVar after 2014. Based on the evidence outlined above, the variant was classified as likely benign.